The following is an entry in ClinVar:

ClinVar aggregate classification (germline): Likely benign (1 of 4 stars; one submission).

gnomAD v4.1: 36 of 1,613,660 alleles (0.0022%); highest among the groups gnomAD compares: Non-Finnish European, 0.0025%; no homozygotes.

Submission:

CeGaT Center for Human Genetics Tuebingen
Classification: Likely benign. Last evaluated: 2026-02-01. Review status: criteria provided, single submitter. Criteria: CeGaT Center For Human Genetics Tuebingen Variant Classification Criteria Version 2. Collection method: clinical testing. Allele origin: germline. Affected: yes. Observed: 2 variant alleles.
Comment: ERCC1: BP4, BP7

NM_001983.4(ERCC1):c.795C>T (p.Ala265=)

Gene: ERCC1 (ERCC excision repair 1, endonuclease non-catalytic subunit; minus strand). Cytogenetic location: 19q13.32.
Variant type: single nucleotide variant.
Coding change: c.795C>T on transcript NM_001983.4 (MANE Select); coding-DNA position 795, C replaced by T.
Protein change: p.Ala265=; no amino-acid change (alanine 265 retained).
Molecular consequence: synonymous variant.
Genome position (GRCh38, 1-based): chr19:45,413,725, G>A on the plus strand (C>T on the coding strand, the complement: ERCC1 is on the minus strand). VCF-style: chr19-45413725-G-A. GRCh37 (hg19) VCF-style: chr19-45916983-G-A.
Other names: c.723C>T, p.Ala241= (NM_001166049.2, NM_001369410.1, NM_001369411.1 and 3 more transcripts); c.795C>T, p.Ala265= (NM_001369408.1, NM_001369409.1, NM_001369412.1 and 5 more transcripts).
Identifiers: ClinVar variation 2650112 (VCV002650112.24), dbSNP rs144154880, ClinGen allele CA9515279.